The following is an entry in ClinVar:

NM_001029896.2(WDR45):c.400A>G (p.Lys134Glu)

Gene: WDR45 (WD repeat domain 45; minus strand). Cytogenetic location: Xp11.23.
Variant type: single nucleotide variant.
Coding change: c.400A>G on transcript NM_001029896.2 (MANE Select); coding-DNA position 400, A replaced by G.
Protein change: p.Lys134Glu; replaces lysine 134 with glutamic acid.
Molecular consequence: missense variant.
Genome position (GRCh38, 1-based): chrX:49,076,466, T>C on the plus strand (A>G on the coding strand, the complement: WDR45 is on the minus strand). VCF-style: chrX-49076466-T-C. GRCh37 (hg19) VCF-style: chrX-48934125-T-C.
Other names: c.403A>G, p.Lys135Glu (NM_007075.4); short protein forms K134E, K135E.
Identifiers: ClinVar variation 3252418 (VCV003252418.1), dbSNP rs2520263657.
Genomic context (GRCh38, chrX:49,076,466, plus strand): 5'-ACCTGTGTATCTGAGCCCTCTCACCCTTGGGGTTGTCCCGGGTATCAAACTCAAACAGCT[T>C]TCGGGGATTGTCGGGGAAGGAGTACACATAGATGCGGTTCTTCAGCACGATCACGATCCT-3'
Protein context (NP_001025067.1, residues 124-144): YVYSFPDNPR[Lys134Glu]LFEFDTRDNP

ClinVar aggregate classification (germline): Uncertain significance (1 of 4 stars; one submission).

Submission:

GeneDx
Classification: Uncertain significance. Last evaluated: 2023-10-03. Review status: criteria provided, single submitter. Criteria: GeneDx Variant Classification Process June 2021. Collection method: clinical testing. Allele origin: germline. Affected: yes.
Comment: Not observed at significant frequency in large population cohorts (gnomAD); In silico analysis supports that this missense variant does not alter protein structure/function; Has not been previously published as pathogenic or benign to our knowledge